The following is an entry in ClinVar:

ClinVar aggregate classification (germline): Likely pathogenic (1 of 4 stars; one submission).

Submission:

GeneDx
Classification: Likely pathogenic. Last evaluated: 2024-11-06. Review status: criteria provided, single submitter. Criteria: GeneDx Variant Classification Process June 2021. Collection method: clinical testing. Allele origin: germline. Affected: yes.
Comment: Canonical splice site variant predicted to result in an in-frame loss of the adjacent exon in a gene for which loss of function is a known mechanism of disease; Not observed at significant frequency in large population cohorts (gnomAD); Has not been previously published as pathogenic or benign to our knowledge

NM_003793.4(CTSF):c.1381-2A>G

Gene: CTSF (cathepsin F; minus strand). Cytogenetic location: 11q13.2.
Variant type: single nucleotide variant.
Coding change: c.1381-2A>G on transcript NM_003793.4 (MANE Select); the canonical splice acceptor site of the intron before coding-DNA position 1381, A replaced by G.
Molecular consequence: splice acceptor variant.
Genome position (GRCh38, 1-based): chr11:66,564,009, T>C on the plus strand (A>G on the coding strand, the complement: CTSF is on the minus strand). VCF-style: chr11-66564009-T-C. GRCh37 (hg19) VCF-style: chr11-66331480-T-C.
Identifiers: ClinVar variation 3898902 (VCV003898902.1).